The following is an entry in ClinVar:

NC_000023.10:g.(?_22115053)_(22115176_?)del

Gene: PHEX (phosphate regulating endopeptidase X-linked; plus strand). Cytogenetic location: Xp22.11.
Variant type: Deletion.
Identifiers: ClinVar variation 1497555 (VCV001497555.2).

ClinVar aggregate classification (germline): Likely pathogenic (1 of 4 stars; one submission).

Submission:

Labcorp Genetics (formerly Invitae), Labcorp
Classification: Likely pathogenic. Last evaluated: 2021-07-15. Review status: criteria provided, single submitter. Criteria: Invitae Variant Classification Sherloc (09022015). Collection method: clinical testing. Allele origin: germline.
Comment: In summary, the currently available evidence indicates that the variant is pathogenic, but additional data are needed to prove that conclusively. Therefore, this variant has been classified as Likely Pathogenic. This variant disrupts a region of the PHEX protein in which other variant(s) (p.L305P) have been observed in individuals with PHEX-related conditions (PMID: 18775977). This suggests that this is a clinically significant region of the protein, and that variants that disrupt it are likely to be disease-causing. A similar copy number variant has been observed in individual(s) with X-linked hypophosphatemia (Invitae). This variant is a gross deletion of the genomic region encompassing exon(s) 8 of the PHEX gene. This variant would be expected to be in-frame, preserving the integrity of the reading frame.

Literature cited by the submitters: PubMed 18775977.